The following is an entry in ClinVar:

ClinVar aggregate classification (germline): Uncertain significance (1 of 4 stars; one submission).

gnomAD v4.1: 6 of 1,614,212 alleles (0.00037%); highest among the groups gnomAD compares: Non-Finnish European, 0.00051%; no homozygotes.

Submission:

GeneDx
Classification: Uncertain significance. Last evaluated: 2022-11-28. Review status: criteria provided, single submitter. Criteria: GeneDx Variant Classification Process June 2021. Collection method: clinical testing. Allele origin: germline. Affected: yes.
Comment: Has not been previously published as pathogenic or benign to our knowledge; Not observed at significant frequency in large population cohorts (gnomAD); In silico analysis supports that this missense variant does not alter protein structure/function

NM_004370.6(COL12A1):c.1259A>T (p.Glu420Val)

Gene: COL12A1 (collagen type XII alpha 1 chain; minus strand). Cytogenetic location: 6q13.
Variant type: single nucleotide variant.
Coding change: c.1259A>T on transcript NM_004370.6 (MANE Select); coding-DNA position 1259, A replaced by T.
Protein change: p.Glu420Val; replaces glutamic acid 420 with valine.
Molecular consequence: missense variant. On other transcripts: intron variant (1).
Genome position (GRCh38, 1-based): chr6:75,183,883, T>A on the plus strand (A>T on the coding strand, the complement: COL12A1 is on the minus strand). VCF-style: chr6-75183883-T-A. GRCh37 (hg19) VCF-style: chr6-75893599-T-A.
Other names: c.73+18837A>T (NM_080645.3); short protein forms E420V.
Identifiers: ClinVar variation 1710873 (VCV001710873.2), dbSNP rs2533571323, ClinGen allele CA364772384.